The following is an entry in ClinVar:

NM_001278512.2(AP3B2):c.1001A>G (p.Lys334Arg)

Genes: AP3B2 (adaptor related protein complex 3 subunit beta 2; minus strand), CPEB1-AS1 (CPEB1 antisense RNA 1; plus strand). Cytogenetic location: 15q25.2.
Variant type: single nucleotide variant.
Coding change: c.1001A>G on transcript NM_001278512.2 (MANE Select); coding-DNA position 1001, A replaced by G.
Protein change: p.Lys334Arg; replaces lysine 334 with arginine.
Molecular consequence: missense variant.
Genome position (GRCh38, 1-based): chr15:82,680,526, T>C on the plus strand (A>G on the coding strand, the complement: AP3B2 is on the minus strand). VCF-style: chr15-82680526-T-C. GRCh37 (hg19) VCF-style: chr15-83349278-T-C.
Other names: c.905A>G, p.Lys302Arg (NM_001278511.2); c.1001A>G, p.Lys334Arg (NM_004644.5); short protein forms K334R, K302R.
Identifiers: ClinVar variation 2131307 (VCV002131307.4), dbSNP rs2548711300, ClinGen allele CA393318683.

ClinVar aggregate classification (germline): Uncertain significance (1 of 4 stars; one submission).

Submission:

Labcorp Genetics (formerly Invitae), Labcorp
Classification: Uncertain significance. Last evaluated: 2022-04-28. Review status: criteria provided, single submitter. Criteria: Invitae Variant Classification Sherloc (09022015). Collection method: clinical testing. Allele origin: germline.
Comment: In summary, the available evidence is currently insufficient to determine the role of this variant in disease. Therefore, it has been classified as a Variant of Uncertain Significance. Algorithms developed to predict the effect of missense changes on protein structure and function (SIFT, PolyPhen-2, Align-GVGD) all suggest that this variant is likely to be tolerated. This variant has not been reported in the literature in individuals affected with AP3B2-related conditions. This variant is not present in population databases (gnomAD no frequency). This sequence change replaces lysine, which is basic and polar, with arginine, which is basic and polar, at codon 334 of the AP3B2 protein (p.Lys334Arg).